The following is an entry in ClinVar:

NM_004370.6(COL12A1):c.4699C>T (p.Pro1567Ser)

Gene: COL12A1 (collagen type XII alpha 1 chain; minus strand). Cytogenetic location: 6q13.
Variant type: single nucleotide variant.
Coding change: c.4699C>T on transcript NM_004370.6 (MANE Select); coding-DNA position 4699, C replaced by T.
Protein change: p.Pro1567Ser; replaces proline 1567 with serine.
Molecular consequence: missense variant.
Genome position (GRCh38, 1-based): chr6:75,143,380, G>A on the plus strand (C>T on the coding strand, the complement: COL12A1 is on the minus strand). VCF-style: chr6-75143380-G-A. GRCh37 (hg19) VCF-style: chr6-75853096-G-A.
Other names: c.4699C>T, p.Pro1567Ser (NM_001424113.1, NM_001424114.1); c.4426C>T, p.Pro1476Ser (NM_001424115.1); c.1207C>T, p.Pro403Ser (NM_001424116.1, NM_080645.3); short protein forms P1567S, P1476S, P403S.
Identifiers: ClinVar variation 4789852 (VCV004789852.1).

ClinVar aggregate classification (germline): Uncertain significance (1 of 4 stars; one submission).

Conditions:
Ullrich congenital muscular dystrophy 2 (UCMD2). Identifiers: Orphanet 75840, MedGen C4225314, MONDO:0014654, OMIM 616470.
Bethlem myopathy 2 (BTHLM2). Identifiers: Orphanet 536516, Orphanet 610, MedGen C4225313, MONDO:0034022, OMIM 616471.

Submission:

Labcorp Genetics (formerly Invitae), Labcorp
Classification: Uncertain significance for Bethlem myopathy 2; Ullrich congenital muscular dystrophy 2. Last evaluated: 2025-10-17. Review status: criteria provided, single submitter. Criteria: Invitae Variant Classification Sherloc (09022015). Collection method: clinical testing. Allele origin: germline.
Comment: This sequence change replaces proline, which is neutral and non-polar, with serine, which is neutral and polar, at codon 1567 of the COL12A1 protein (p.Pro1567Ser). This variant is present in population databases (no rsID available, gnomAD 0.0009%). This variant has not been reported in the literature in individuals affected with COL12A1-related conditions. Invitae Evidence Modeling of protein sequence and biophysical properties (such as structural, functional, and spatial information, amino acid conservation, physicochemical variation, residue mobility, and thermodynamic stability) indicates that this missense variant is not expected to disrupt COL12A1 protein function with a negative predictive value of 80%. In summary, the available evidence is currently insufficient to determine the role of this variant in disease. Therefore, it has been classified as a Variant of Uncertain Significance.